The following is an entry in ClinVar:

ClinVar aggregate classification (germline): Uncertain significance (1 of 4 stars; one submission).

Conditions:
Charcot-Marie-Tooth disease type 4. Also called: Charcot-Marie-Tooth disease, type IV; Charcot-Marie-Tooth, Type 4. Identifiers: Orphanet 64749, MedGen C4082197, MONDO:0018995.

Allele frequency attached by ClinVar (database versions not stated): gnomAD 0.00001; TOPMed 0.00004; gnomAD exomes 0.00006; ExAC 0.00009.
gnomAD v4.1: 34 of 1,610,290 alleles (0.0021%); highest among the groups gnomAD compares: Admixed American, 0.027%; no homozygotes.

Submission:

Labcorp Genetics (formerly Invitae), Labcorp
Classification: Uncertain significance for Charcot-Marie-Tooth disease type 4. Last evaluated: 2022-07-02. Review status: criteria provided, single submitter. Criteria: Invitae Variant Classification Sherloc (09022015). Collection method: clinical testing. Allele origin: germline.
Comment: This variant is present in population databases (rs781394276, gnomAD 0.03%). This sequence change replaces serine, which is neutral and polar, with asparagine, which is neutral and polar, at codon 131 of the PRX protein (p.Ser131Asn). This variant has not been reported in the literature in individuals affected with PRX-related conditions. In summary, the available evidence is currently insufficient to determine the role of this variant in disease. Therefore, it has been classified as a Variant of Uncertain Significance. Algorithms developed to predict the effect of missense changes on protein structure and function are either unavailable or do not agree on the potential impact of this missense change (SIFT: "Deleterious"; PolyPhen-2: "Benign"; Align-GVGD: "Class C0"). ClinVar contains an entry for this variant (Variation ID: 1414855).

NM_181882.3(PRX):c.392G>A (p.Ser131Asn)

Gene: PRX (periaxin; minus strand). Cytogenetic location: 19q13.2.
Variant type: single nucleotide variant.
Coding change: c.392G>A on transcript NM_181882.3 (MANE Select); coding-DNA position 392, G replaced by A.
Protein change: p.Ser131Asn; replaces serine 131 with asparagine.
Molecular consequence: missense variant. On other transcripts: 3 prime UTR variant (1).
Genome position (GRCh38, 1-based): chr19:40,397,960, C>T on the plus strand (G>A on the coding strand, the complement: PRX is on the minus strand). VCF-style: chr19-40397960-C-T. GRCh37 (hg19) VCF-style: chr19-40903867-C-T.
Other names: c.*597G>A (NM_020956.2); short protein forms S131N.
Identifiers: ClinVar variation 1414855 (VCV001414855.4), dbSNP rs781394276, ClinGen allele CA9444467.